The following is an entry in ClinVar:

ClinVar aggregate classification (germline): Benign/Likely benign. Review status: criteria provided, multiple submitters, no conflicts (2 of 4 stars). 2 submissions from 2 submitters: Benign (1); Likely benign (1). Last evaluated 2024-12-20.

Conditions:
Lynch syndrome 5 (LYNCH5). Also called: Hereditary non-polyposis colorectal cancer, type 5; Colorectal cancer, hereditary nonpolyposis, type 5. Identifiers: Orphanet 144, MedGen C1833477, MONDO:0013710, OMIM 614350. Disease mechanism: loss of function.
Hereditary cancer-predisposing syndrome. Also called: Tumor predisposition; Hereditary Cancer Syndrome; Hereditary neoplastic syndrome; Neoplastic Syndromes, Hereditary. Identifiers: Orphanet 140162, MedGen C0027672, MeSH D009386, MONDO:0015356.

gnomAD v4.1: 1 of 1,614,108 alleles (0.000062%); highest among the groups gnomAD compares: African/African-American, 0.0013%; no homozygotes.

Submissions (2):

Myriad Genetics, Inc.
Classification: Benign for Lynch syndrome 5. Last evaluated: 2024-12-20. Review status: criteria provided, single submitter. Criteria: Myriad Autosomal Dominant, Autosomal Recessive and X-Linked Classification Criteria (2023). Collection method: clinical testing. Allele origin: unknown.
Comment: This variant is considered benign. This variant is a silent/synonymous amino acid change and it is not expected to impact splicing.

Ambry Genetics
Classification: Likely benign for Hereditary cancer-predisposing syndrome. Last evaluated: 2024-04-05. Review status: criteria provided, single submitter. Criteria: Ambry Variant Classification Scheme 2023. Collection method: clinical testing. Allele origin: germline.

NM_000179.3(MSH6):c.777T>C (p.Gly259=)

Gene: MSH6 (mutS homolog 6; plus strand). Cytogenetic location: 2p16.3.
Variant type: single nucleotide variant.
Coding change: c.777T>C on transcript NM_000179.3 (MANE Select); coding-DNA position 777, T replaced by C.
Protein change: p.Gly259=; no amino-acid change (glycine 259 retained).
Molecular consequence: synonymous variant. On other transcripts: 5 prime UTR variant (9), non-coding transcript variant (4), intron variant (1).
Genome position (GRCh38, 1-based): chr2:47,798,760, T>C. VCF-style: chr2-47798760-T-C. GRCh37 (hg19) VCF-style: chr2-48025899-T-C.
Other names: c.387T>C, p.Gly129= (NM_001281492.2); c.-130T>C (NM_001281493.2, NM_001281494.2, NM_001406811.1 and 6 more transcripts); c.873T>C, p.Gly291= (NM_001406795.1, NM_001406802.1); c.777T>C, p.Gly259= (NM_001406796.1, NM_001406798.1, NM_001406800.1 and 4 more transcripts); c.480T>C, p.Gly160= (NM_001406797.1, NM_001406801.1, NM_001406805.1 and 10 more transcripts); c.252T>C, p.Gly84= (NM_001406799.1, NM_001406806.1, NM_001406807.1); c.699T>C, p.Gly233= (NM_001406804.1); c.783T>C, p.Gly261= (NM_001406813.1); and 2 more.
Identifiers: ClinVar variation 3296371 (VCV003296371.2).